The following is an entry in ClinVar:

NM_012318.3(LETM1):c.520G>T (p.Asp174Tyr)

Gene: LETM1 (leucine zipper and EF-hand containing transmembrane protein 1; minus strand). Cytogenetic location: 4p16.3.
Variant type: single nucleotide variant.
Coding change: c.520G>T on transcript NM_012318.3 (MANE Select); coding-DNA position 520, G replaced by T.
Protein change: p.Asp174Tyr; replaces aspartic acid 174 with tyrosine.
Molecular consequence: missense variant.
Genome position (GRCh38, 1-based): chr4:1,841,421, C>A on the plus strand (G>T on the coding strand, the complement: LETM1 is on the minus strand). VCF-style: chr4-1841421-C-A. GRCh37 (hg19) VCF-style: chr4-1843148-C-A.
Other names: short protein forms D174Y.
Identifiers: ClinVar variation 2077156 (VCV002077156.4), dbSNP rs1465591490, ClinGen allele CA356009541.

ClinVar aggregate classification (germline): Uncertain significance (1 of 4 stars; one submission).

Submission:

Labcorp Genetics (formerly Invitae), Labcorp
Classification: Uncertain significance. Last evaluated: 2022-06-01. Review status: criteria provided, single submitter. Criteria: Invitae Variant Classification Sherloc (09022015). Collection method: clinical testing. Allele origin: germline.
Comment: In summary, the available evidence is currently insufficient to determine the role of this variant in disease. Therefore, it has been classified as a Variant of Uncertain Significance. Algorithms developed to predict the effect of missense changes on protein structure and function (SIFT, PolyPhen-2, Align-GVGD) all suggest that this variant is likely to be disruptive. This variant has not been reported in the literature in individuals affected with LETM1-related conditions. This variant is not present in population databases (gnomAD no frequency). This sequence change replaces aspartic acid, which is acidic and polar, with tyrosine, which is neutral and polar, at codon 174 of the LETM1 protein (p.Asp174Tyr).